The following is an entry in ClinVar:

ClinVar aggregate classification (germline): Pathogenic/Likely pathogenic. Review status: criteria provided, multiple submitters, no conflicts (2 of 4 stars). 28 submissions from 27 submitters: Pathogenic (21); Likely pathogenic (1). 6 of the submissions do not count toward it. Last evaluated 2026-05-29.

Conditions:
RAD51D-related disorder. Also called: RAD51D-related condition.
Inherited ovarian cancer (without breast cancer).
Inherited breast cancer and ovarian cancer.
Breast and/or ovarian cancer. Identifiers: MedGen CN221562.
Hereditary cancer-predisposing syndrome. Also called: Neoplastic Syndromes, Hereditary; Tumor predisposition; Hereditary Cancer Syndrome; Hereditary neoplastic syndrome. Identifiers: Orphanet 140162, MedGen C0027672, MeSH D009386, MONDO:0015356.
Hereditary breast ovarian cancer syndrome. Also called: Hereditary breast and ovarian cancer; Breast and ovarian cancer; Hereditary breast and/or ovarian cancer syndrome; Hereditary breast and ovarian cancer syndrome (HBOC); Hereditary breast and ovarian cancer syndrome; BRCA1- and BRCA2-Associated Hereditary Breast and Ovarian Cancer. Identifiers: Orphanet 145, MedGen C0677776, MeSH D061325, MONDO:0003582. Disease mechanism: loss of function.
Breast-ovarian cancer, familial, susceptibility to, 4. Identifiers: Orphanet 145, MedGen C3280345, MONDO:0013669, OMIM 614291.
Ovarian neoplasm. Also called: Ovarian tumor; Neoplasm of ovary; Ovarian Neoplasms. Identifiers: MedGen C0919267, MeSH D010051, MONDO:0021068, HP:0100615.
Polycystic kidney disease 2 (PKD2). Also called: POLYCYSTIC KIDNEY DISEASE 2 WITH OR WITHOUT POLYCYSTIC LIVER DISEASE; POLYCYSTIC KIDNEY DISEASE, ADULT, TYPE II; Polycystic Kidney Disease 2, Autosomal Dominant. Identifiers: MedGen C2751306, MONDO:0013131, OMIM 613095.
Malignant tumor of breast. Also called: Malignant breast neoplasm; Cancer breast. Identifiers: MedGen C0006142, MONDO:0007254. Disease mechanism: loss of function.

Allele frequency attached by ClinVar (database versions not stated): gnomAD 0.00003; gnomAD exomes 0.00004; ExAC 0.00005; TOPMed 0.00001.
gnomAD v4.1: 50 of 1,612,962 alleles (0.0031%); highest among the groups gnomAD compares: Middle Eastern, 0.016%; no homozygotes.

Submissions 1 to 9 of 28:

Cambridge Genomics Laboratory, East Genomic Laboratory Hub, NHS Genomic Medicine Service
Classification: Pathogenic for Inherited ovarian cancer (without breast cancer). Last evaluated: 2026-05-29. Review status: criteria provided, single submitter. Criteria: ACGS Best Practice Guidelines for Variant Classification in Rare Disease 2020. Collection method: clinical testing. Allele origin: germline. Affected: yes.
Comment: PVS1,PM5_Supporting

PreventionGenetics, part of Exact Sciences
Classification: Pathogenic for RAD51D-related condition. Last evaluated: 2026-03-25. Review status: criteria provided, single submitter. Criteria: ACMG Guidelines, 2015. Collection method: clinical testing. Allele origin: germline.
Comment: The RAD51D c.556C>T variant is predicted to result in premature protein termination (p.Arg186*). This variant has been reported in multiple individuals with hereditary breast and/or ovarian cancer (Song et al. 2015. PubMed ID: 26261251; Table S3, Sun et al. 2017. PubMed ID: 28724667; Table S1, Lerner-Ellis et al. 2020. PubMed ID: 32885271), prostate cancer (Table S1, Nguyen-Dumont et al. 2021. PubMed ID: 33804961), and serous tubal intraepithelial carcinoma (Harvey et al. 2017. PubMed ID: 28821472). It has also been observed to co-segregate with disease in several families (Loveday et al. 2011. PubMed ID: 21822267; Osher et al. 2012. PubMed ID: 22415235; Baker et al. 2015. PubMed ID: 25445424). This variant is reported in 0.059% of alleles in individuals of Ashkenazi Jewish descent in gnomAD. It is interpreted as likely pathogenic/pathogenic in ClinVar (Variation ID: 30285). Nonsense variants in RAD51D are expected to be pathogenic. This variant is interpreted as pathogenic.

Labcorp Genetics (formerly Invitae), Labcorp
Classification: Pathogenic for Breast-ovarian cancer, familial, susceptibility to, 4. Last evaluated: 2025-12-16. Review status: criteria provided, single submitter. Criteria: Invitae Variant Classification Sherloc (09022015). Collection method: clinical testing. Allele origin: germline.
Comment: This sequence change creates a premature translational stop signal (p.Arg186*) in the RAD51D gene. It is expected to result in an absent or disrupted protein product. Loss-of-function variants in RAD51D are known to be pathogenic (PMID: 21822267). This variant is present in population databases (rs387906843, gnomAD 0.04%). This premature translational stop signal has been observed in individual(s) with ovarian and breast cancer (PMID: 21822267, 22415235, 23372765, 25445424, 26261251). It has also been observed to segregate with disease in related individuals. ClinVar contains an entry for this variant (Variation ID: 30285). For these reasons, this variant has been classified as Pathogenic.

Medical and Scientific Branch, Hong Kong Genome Institute
Classification: Pathogenic for Polycystic kidney disease 2. Last evaluated: 2025-12-11. Review status: criteria provided, single submitter. Criteria: ACMG Guidelines, 2015. Collection method: clinical testing. Allele origin: germline. Affected: yes.

Color Diagnostics, LLC DBA Color Health
Classification: Pathogenic for Hereditary cancer-predisposing syndrome. Last evaluated: 2025-11-17. Review status: criteria provided, single submitter. Criteria: ACMG Guidelines, 2015. Collection method: clinical testing. Allele origin: germline.
Comment: This variant changes 1 nucleotide in exon 6 of the RAD51D gene, creating a premature translation stop signal. This variant is expected to result in an absent or non-functional protein product. This variant has been observed in multiple individuals affected with ovarian cancer (PMID: 21822267, 22415235, 23372765, 26261251, 32068069, 35641994, 36165864, 36544182) and in an ovarian cancer meta-analysis in 6/22584 cases with reported association when compared to gnomAD control individuals (OR = 3.93, 95% CI 1.40 to 11.05) (PMID: 32359370). This variant also has been reported in individuals affected with breast cancer (PMID: 21822267, 22415235, 27153395, 27273131) and in an individual affected with endometrial and serous tubal intraepithelial cancer (PMID: 28821472). This variant also has been detected in a breast cancer case-control meta-analysis in 6/60466 cases and 1/53461 unaffected individuals (PMID: 33471991Leiden Open Variation Database DB-ID RAD51D_000017). This variant has been identified in 50/1612962 chromosomes in the general population by the Genome Aggregation Database (gnomAD v4). Loss of RAD51D function is a known mechanism of disease. Based on the available evidence, this variant is classified as Pathogenic.

Institute of Human Genetics, Heidelberg University
Classification: Pathogenic for Breast-ovarian cancer, familial, susceptibility to, 4. Last evaluated: 2025-09-26. Review status: criteria provided, single submitter. Criteria: ACMG Guidelines, 2015. Collection method: clinical testing. Allele origin: maternal. Observed: 2 variant alleles.
Comment: PVS1, PS4_mod, PM2_supp

NHS Central & South Genomic Laboratory Hub
Classification: Pathogenic for Inherited breast cancer and ovarian cancer. Last evaluated: 2025-04-09. Review status: criteria provided, single submitter. Criteria: ACMG Guidelines, 2015. Collection method: clinical testing. Allele origin: germline. Affected: yes.

Women's Health and Genetics/Laboratory Corporation of America, LabCorp
Classification: Pathogenic for Hereditary breast ovarian cancer syndrome. Last evaluated: 2025-03-07. Review status: criteria provided, single submitter. Criteria: LabCorp Variant Classification Summary - May 2015. Collection method: clinical testing. Allele origin: germline.
Comment: Variant summary: RAD51D c.556C>T (p.Arg186X) results in a premature termination codon, predicted to cause a truncation of the encoded protein or absence of the protein due to nonsense mediated decay, which are commonly known mechanisms for disease. The variant allele was found at a frequency of 4e-05 in 251410 control chromosomes. This frequency is not significantly higher than estimated for a pathogenic variant in RAD51D causing Hereditary Breast And Ovarian Cancer Syndrome (4e-05 vs 0.00013), allowing no conclusion about variant significance. The variant has been reported in numerous breast/ovarian cancer patients, and shows segregation within families (Loveday_2011, Baker_2015, Osher_2012, Thompson_2012). To our knowledge, no experimental evidence demonstrating an impact on protein function has been reported. The following publications have been ascertained in the context of this evaluation (PMID: 21822267, 22415235, 26057125, 23372765, 25445424). ClinVar contains an entry for this variant (Variation ID: 30285). Based on the evidence outlined above, the variant was classified as pathogenic.

Ambry Genetics
Classification: Pathogenic for Hereditary cancer-predisposing syndrome. Last evaluated: 2024-11-22. Review status: criteria provided, single submitter. Criteria: Ambry Variant Classification Scheme 2023. Collection method: clinical testing. Allele origin: germline.
Comment: The p.R186* pathogenic mutation (also known as c.556C>T), located in coding exon 6 of the RAD51D gene, results from a C to T substitution at nucleotide position 556. This changes the amino acid from an arginine to a stop codon within coding exon 6. This mutation has been described in several breast and/or ovarian cancer patients (Loveday C et al. Nat. Genet. 2011 Sep;43:879-82; Osher D et al. Br. J. Cancer. 2012 Apr;106:1460-3; Song H et al. J. Clin. Oncol. 2015 Sep;33:2901-7; Maxwell KN et al. Am. J. Hum. Genet. 2016 May;98:801-17; Byers H et al. Eur. J. Hum. Genet. 2016 Nov;24:1591-1597; Lerner-Ellis J et al. J Cancer Res Clin Oncol, 2021 Mar;147:871-879). This mutation has also been reported in an individual diagnosed with grade 2 papillary serous cystadenocarcinoma, in a pre-menopausal breast cancer patient who underwent oophorectomy and was found to have serous tubal intraepithelial cancer, and in prostate cancer patients (Thompson E et al. PLoS One. 2013;8:e54772; Harvey LFB et al. J Minim Invasive Gynecol. 2017 Aug;[Epub ahead of print]; Nguyen-Dumont T et al. Int J Cancer, 2020 10;147:2142-2149). In addition to the clinical data presented in the literature, this alteration is expected to result in loss of function by premature protein truncation or nonsense-mediated mRNA decay. As such, this alteration is interpreted as a disease-causing mutation.

NM_002878.4(RAD51D):c.556C>T (p.Arg186Ter)

Genes: RAD51D (RAD51 paralog D; minus strand), RAD51L3-RFFL (RAD51L3-RFFL readthrough; minus strand). Cytogenetic location: 17q12.
Variant type: single nucleotide variant.
Coding change: c.556C>T on transcript NM_002878.4 (MANE Select); coding-DNA position 556, C replaced by T.
Protein change: p.Arg186Ter; replaces arginine 186 with a stop codon.
Molecular consequence: nonsense. On other transcripts: non-coding transcript variant (3).
Genome position (GRCh38, 1-based): chr17:35,106,406, G>A on the plus strand (C>T on the coding strand, the complement: RAD51D is on the minus strand). VCF-style: chr17-35106406-G-A. GRCh37 (hg19) VCF-style: chr17-33433425-G-A.
Other names: c.616C>T, p.Arg206Ter (NM_001142571.2); c.220C>T, p.Arg74Ter (NM_133629.3); short protein forms R186*, R206*, R74*.
Identifiers: ClinVar variation 30285 (VCV000030285.90), dbSNP rs387906843, ClinGen allele CA129082.
Genomic context (GRCh38, chr17:35,106,406, plus strand): 5'-AAGCTGAATTAAGCAAGGAGGGGCAGAACAGCAGGCTCACCTGCTGGGCCACAGTGCCTC[G>A]GAGCTCCTGCAGCACATCCAGCATCTGGAAGATGTCAAATGCATGCACCACCTGGATCCT-3'